The following is an entry in ClinVar:

NM_000051.4(ATM):c.1899-4G>A

Gene: ATM (ATM serine/threonine kinase; plus strand). Cytogenetic location: 11q22.3.
Variant type: single nucleotide variant.
Coding change: c.1899-4G>A on transcript NM_000051.4 (MANE Select); 4 bases into the intron before coding-DNA position 1899, G replaced by A.
Molecular consequence: intron variant.
Genome position (GRCh38, 1-based): chr11:108,253,810, G>A. VCF-style: chr11-108253810-G-A. GRCh37 (hg19) VCF-style: chr11-108124537-G-A.
Other names: c.1899-4G>A (NM_000051.3, NM_001351834.2).
Identifiers: ClinVar variation 1514320 (VCV001514320.6), dbSNP rs2135365402, ClinGen allele CA2573146755.

ClinVar aggregate classification (germline): Conflicting classifications of pathogenicity. Review status: criteria provided, conflicting classifications (1 of 4 stars). 2 submissions from 2 submitters: Uncertain significance (1); Likely benign (1). Last evaluated 2024-05-03.

Conditions:
Ataxia-telangiectasia syndrome (AT). Also called: Cerebello-oculocutaneous telangiectasia; Immunodeficiency with ataxia telangiectasia; ATAXIA-TELANGIECTASIA, COMPLEMENTATION GROUP A; ATAXIA-TELANGIECTASIA, FRESNO VARIANT; Ataxia-telangiectasia, complementation group E; LOUIS-BAR SYNDROME. Identifiers: Orphanet 100, MedGen C0004135, MONDO:0008840, OMIM 208900.
Hereditary cancer-predisposing syndrome. Also called: Neoplastic Syndromes, Hereditary; Hereditary Cancer Syndrome; Tumor predisposition; Hereditary neoplastic syndrome. Identifiers: Orphanet 140162, MedGen C0027672, MeSH D009386, MONDO:0015356.

Submissions (2):

Ambry Genetics
Classification: Likely benign for Hereditary cancer-predisposing syndrome. Last evaluated: 2024-05-03. Review status: criteria provided, single submitter. Criteria: Ambry Variant Classification Scheme 2023. Collection method: clinical testing. Allele origin: germline.

Labcorp Genetics (formerly Invitae), Labcorp
Classification: Uncertain significance for Ataxia-telangiectasia syndrome. Last evaluated: 2021-08-24. Review status: criteria provided, single submitter. Criteria: Invitae Variant Classification Sherloc (09022015). Collection method: clinical testing. Allele origin: germline.
Comment: This sequence change falls in intron 12 of the ATM gene. It does not directly change the encoded amino acid sequence of the ATM protein. This variant is not present in population databases (ExAC no frequency). This variant has not been reported in the literature in individuals affected with ATM-related conditions. Algorithms developed to predict the effect of sequence changes on RNA splicing suggest that this variant is not likely to affect RNA splicing. In summary, the available evidence is currently insufficient to determine the role of this variant in disease. Therefore, it has been classified as a Variant of Uncertain Significance.